The following is an entry in ClinVar:

NM_004360.5(CDH1):c.2408A>G (p.Asn803Ser)

Gene: CDH1 (cadherin 1; plus strand). Cytogenetic location: 16q22.1.
Variant type: single nucleotide variant.
Coding change: c.2408A>G on transcript NM_004360.5 (MANE Select); coding-DNA position 2408, A replaced by G.
Protein change: p.Asn803Ser; replaces asparagine 803 with serine.
Molecular consequence: missense variant.
Genome position (GRCh38, 1-based): chr16:68,829,766, A>G. VCF-style: chr16-68829766-A-G. GRCh37 (hg19) VCF-style: chr16-68863669-A-G.
Other names: c.2225A>G, p.Asn742Ser (NM_001317184.2); c.860A>G, p.Asn287Ser (NM_001317185.2); c.443A>G, p.Asn148Ser (NM_001317186.2); short protein forms N803S, N148S, N287S, N742S.
Identifiers: ClinVar variation 2879117 (VCV002879117.3), dbSNP rs2152142431, ClinGen allele CA396471244.

ClinVar aggregate classification (germline): Uncertain significance (1 of 4 stars; one submission).

Conditions:
Hereditary diffuse gastric adenocarcinoma (HDGC). Also called: DIFFUSE GASTRIC AND LOBULAR BREAST CANCER SYNDROME. Identifiers: Orphanet 26106, MedGen C1708349, MONDO:0007648, OMIM 137215.

Allele frequency attached by ClinVar (database versions not stated): gnomAD exomes below 0.00001.
gnomAD v4.1: 1 of 1,613,984 alleles (0.000062%); highest among the groups gnomAD compares: Non-Finnish European, 0.000085%; no homozygotes.

Submission:

Labcorp Genetics (formerly Invitae), Labcorp
Classification: Uncertain significance for Hereditary diffuse gastric adenocarcinoma. Last evaluated: 2023-02-24. Review status: criteria provided, single submitter. Criteria: Invitae Variant Classification Sherloc (09022015). Collection method: clinical testing. Allele origin: germline.
Comment: In summary, the available evidence is currently insufficient to determine the role of this variant in disease. Therefore, it has been classified as a Variant of Uncertain Significance. An algorithm developed to predict the effect of missense changes on protein structure and function (PolyPhen-2) suggests that this variant is likely to be disruptive. This variant has not been reported in the literature in individuals affected with CDH1-related conditions. This variant is not present in population databases (gnomAD no frequency). This sequence change replaces asparagine, which is neutral and polar, with serine, which is neutral and polar, at codon 803 of the CDH1 protein (p.Asn803Ser).